The following is an entry in ClinVar:

NM_025150.5(TARS2):c.1026G>A (p.Glu342=)

Gene: TARS2 (threonyl-tRNA synthetase 2, mitochondrial; plus strand). Cytogenetic location: 1q21.2.
Variant type: single nucleotide variant.
Coding change: c.1026G>A on transcript NM_025150.5 (MANE Select); coding-DNA position 1026, G replaced by A.
Protein change: p.Glu342=; no amino-acid change (glutamic acid 342 retained).
Molecular consequence: synonymous variant. On other transcripts: non-coding transcript variant (2).
Genome position (GRCh38, 1-based): chr1:150,497,535, G>A. VCF-style: chr1-150497535-G-A. GRCh37 (hg19) VCF-style: chr1-150470011-G-A.
Other names: c.780G>A, p.Glu260= (NM_001271895.2); c.636G>A, p.Glu212= (NM_001271896.2).
Identifiers: ClinVar variation 3355784 (VCV003355784.1).

ClinVar aggregate classification (germline): Likely benign (0 of 4 stars; one submission).

Conditions:
TARS2-related disorder. Also called: TARS2-related condition.

gnomAD v4.1: 9 of 1,613,868 alleles (0.00056%); highest among the groups gnomAD compares: Non-Finnish European, 0.00076%; no homozygotes.

Submission:

PreventionGenetics, part of Exact Sciences
Classification: Likely benign for TARS2-related condition. Last evaluated: 2019-10-07. Review status: no assertion criteria provided. Collection method: clinical testing. Allele origin: germline.
Comment: This variant is classified as likely benign based on ACMG/AMP sequence variant interpretation guidelines (Richards et al. 2015 PMID: 25741868, with internal and published modifications).